The following is an entry in ClinVar:

ClinVar aggregate classification (germline): Uncertain significance (1 of 4 stars; one submission).

Conditions:
GLUT1 deficiency syndrome 1, autosomal recessive. Identifiers: MedGen C3149117.

Allele frequency attached by ClinVar (database versions not stated): TOPMed below 0.00001.

Submission:

Labcorp Genetics (formerly Invitae), Labcorp
Classification: Uncertain significance for GLUT1 deficiency syndrome 1, autosomal recessive. Last evaluated: 2025-02-12. Review status: criteria provided, single submitter. Criteria: Invitae Variant Classification Sherloc (09022015). Collection method: clinical testing. Allele origin: germline.
Comment: This sequence change falls in intron 2 of the SLC2A1 gene. It does not directly change the encoded amino acid sequence of the SLC2A1 protein. It affects a nucleotide within the consensus splice site. This variant is not present in population databases (gnomAD no frequency). This variant has not been reported in the literature in individuals affected with SLC2A1-related conditions. ClinVar contains an entry for this variant (Variation ID: 2084617). Variants that disrupt the consensus splice site are a relatively common cause of aberrant splicing (PMID: 17576681, 9536098). Algorithms developed to predict the effect of sequence changes on RNA splicing suggest that this variant is not likely to affect RNA splicing. In summary, the available evidence is currently insufficient to determine the role of this variant in disease. Therefore, it has been classified as a Variant of Uncertain Significance.

Literature cited by the submitters: PubMed 17576681; PubMed 9536098.

NM_006516.4(SLC2A1):c.115-3C>A

Gene: SLC2A1 (solute carrier family 2 member 1; minus strand). Cytogenetic location: 1p34.2.
Variant type: single nucleotide variant.
Coding change: c.115-3C>A on transcript NM_006516.4 (MANE Select); 3 bases into the intron before coding-DNA position 115, C replaced by A.
Molecular consequence: intron variant.
Genome position (GRCh38, 1-based): chr1:42,931,209, G>T on the plus strand (C>A on the coding strand, the complement: SLC2A1 is on the minus strand). VCF-style: chr1-42931209-G-T. GRCh37 (hg19) VCF-style: chr1-43396880-G-T.
Identifiers: ClinVar variation 2084617 (VCV002084617.4), dbSNP rs1643486083, ClinGen allele CA1165412937.